The following is an entry in ClinVar:

ClinVar aggregate classification (germline): Uncertain significance. Review status: criteria provided, multiple submitters, no conflicts (2 of 4 stars). 2 submissions from 2 submitters: Uncertain significance (2). Last evaluated 2026-01-12.

Conditions:
Sulfite oxidase deficiency due to molybdenum cofactor deficiency type B1 (MOCODB1). Also called: MOLYBDENUM COFACTOR DEFICIENCY, TYPE B1; Molybdenum cofactor deficiency, complementation group B; Molybdenum cofactor deficiency B; Sulfite oxidase deficiency due to molybdenum cofactor deficiency type B. Identifiers: Orphanet 308393, Orphanet 833, MedGen C6065887, MONDO:0009644, OMIM 252160.

Allele frequency attached by ClinVar (database versions not stated): gnomAD exomes 0.00001; TOPMed 0.00008; ExAC 0.00002; gnomAD 0.00005 and 0.00006.
gnomAD v4.1: 15 of 1,613,680 alleles (0.00093%); highest among the groups gnomAD compares: African/African-American, 0.019%; no homozygotes.

Submissions (2):

Labcorp Genetics (formerly Invitae), Labcorp
Classification: Uncertain significance. Last evaluated: 2026-01-12. Review status: criteria provided, single submitter. Criteria: Invitae Variant Classification Sherloc (09022015). Collection method: clinical testing. Allele origin: germline.
Comment: This sequence change replaces lysine, which is basic and polar, with glutamine, which is neutral and polar, at codon 167 of the MOCS2B protein (p.Lys167Gln). This variant is present in population databases (rs776534922, gnomAD 0.02%). This variant has not been reported in the literature in individuals affected with MOCS2B-related conditions. ClinVar contains an entry for this variant (Variation ID: 1044239). An algorithm developed to predict the effect of missense changes on protein structure and function (PolyPhen-2) suggests that this variant is likely to be disruptive. In summary, the available evidence is currently insufficient to determine the role of this variant in disease. Therefore, it has been classified as a Variant of Uncertain Significance.

Fulgent Genetics
Classification: Uncertain significance for Sulfite oxidase deficiency due to molybdenum cofactor deficiency type B1. Last evaluated: 2024-02-06. Review status: criteria provided, single submitter. Criteria: ACMG Guidelines, 2015. Collection method: clinical testing. Allele origin: germline.

NM_004531.5(MOCS2):c.499A>C (p.Lys167Gln)

Gene: MOCS2 (molybdenum cofactor synthesis 2; minus strand). Cytogenetic location: 5q11.2.
Variant type: single nucleotide variant.
Coding change: c.499A>C on transcript NM_004531.5 (MANE Select); coding-DNA position 499, A replaced by C.
Protein change: p.Lys167Gln; replaces lysine 167 with glutamine.
Molecular consequence: missense variant. On other transcripts: 3 prime UTR variant (1).
Genome position (GRCh38, 1-based): chr5:53,100,413, T>G on the plus strand (A>C on the coding strand, the complement: MOCS2 is on the minus strand). VCF-style: chr5-53100413-T-G. GRCh37 (hg19) VCF-style: chr5-52396243-T-G.
Other names: c.*419A>C (NM_176806.4); short protein forms K167Q.
Identifiers: ClinVar variation 1044239 (VCV001044239.6), dbSNP rs776534922, ClinGen allele CA3263605.
Genomic context (GRCh38, chr5:53,100,413, plus strand): 5'-AAAAATTCCTGAGAAAAATCAGGTCCACATGCTAAAATGTGTTATTTTCTTAACTTACCT[T>G]TTTCCATATGGGCACCTTGGCTTTTAAAGTATCAATGGCATAGCTCACAGCTTCAAGAGA-3'
Protein context (NP_004522.1, residues 157-177): TLKAKVPIWK[Lys167Gln]EIYEESSTWK